The following is an entry in ClinVar:

NM_001277115.2(DNAH11):c.13049+5G>A

Gene: DNAH11 (dynein axonemal heavy chain 11; plus strand). Cytogenetic location: 7p15.3.
Variant type: single nucleotide variant.
Coding change: c.13049+5G>A on transcript NM_001277115.2 (MANE Select); 5 bases into the intron after coding-DNA position 13049, G replaced by A.
Molecular consequence: intron variant.
Genome position (GRCh38, 1-based): chr7:21,895,004, G>A. VCF-style: chr7-21895004-G-A. GRCh37 (hg19) VCF-style: chr7-21934622-G-A.
Other names: NM_001277115.2:c.13049+5G>A.
Identifiers: ClinVar variation 3776950 (VCV003776950.1).

ClinVar aggregate classification (germline): Uncertain significance (1 of 4 stars; one submission).

Conditions:
Primary ciliary dyskinesia 7. Also called: CILIARY DYSKINESIA, PRIMARY, 7, WITH OR WITHOUT SITUS INVERSUS. Identifiers: Orphanet 244, MedGen C2678473, MONDO:0012748, OMIM 611884.

gnomAD v4.1: 3 of 1,612,762 alleles (0.00019%); highest among the groups gnomAD compares: East Asian, 0.0045%; no homozygotes.

Submission:

Broad Center for Mendelian Genomics, Broad Institute of MIT and Harvard
Classification: Uncertain significance for Primary ciliary dyskinesia 7. Last evaluated: 2025-02-20. Review status: criteria provided, single submitter. Criteria: ACMG Guidelines, 2015. Collection method: curation. Allele origin: germline. Inheritance: Autosomal recessive inheritance.
Comment: The c.13049+5G>A variant in DNAH11 has been reported in 1 individual with primary ciliary dyskinesia (PMID: 34210339), and has been identified in 0.004% (2/44866) of East Asian chromosomes by the Genome Aggregation Database (gnomAD; dbSNP rs745407933). Although this variant has been seen in the general population in a heterozygous state, its frequency is low enough to be consistent with a recessive carrier frequency. Computational prediction tools and conservation analyses suggest that this variant may impact the protein, though this information is not predictive enough to determine pathogenicity. This variant is located in the 5' splice region. Computational tools do suggest an impact to splicing. However, this information is not predictive enough to determine pathogenicity. In summary, the clinical significance of the c.13049+5G>A variant is uncertain. ACMG/AMP Criteria applied: PP3, PM2_supporting (Richards 2015).